The following is an entry in ClinVar:

NM_004525.3(LRP2):c.7282A>G (p.Ser2428Gly)

Gene: LRP2 (LDL receptor related protein 2; minus strand). Cytogenetic location: 2q31.1.
Variant type: single nucleotide variant.
Coding change: c.7282A>G on transcript NM_004525.3 (MANE Select); coding-DNA position 7282, A replaced by G.
Protein change: p.Ser2428Gly; replaces serine 2428 with glycine.
Molecular consequence: missense variant.
Genome position (GRCh38, 1-based): chr2:169,206,438, T>C on the plus strand (A>G on the coding strand, the complement: LRP2 is on the minus strand). VCF-style: chr2-169206438-T-C. GRCh37 (hg19) VCF-style: chr2-170062948-T-C.
Other names: c.7282A>G (NM_004525.2); short protein forms S2428G.
Identifiers: ClinVar variation 1439175 (VCV001439175.7), dbSNP rs372545324, ClinGen allele CA1954145.

ClinVar aggregate classification (germline): Uncertain significance. Review status: criteria provided, multiple submitters, no conflicts (2 of 4 stars). 3 submissions from 3 submitters: Uncertain significance (3). Last evaluated 2024-11-11.

Conditions:
Donnai-Barrow syndrome. Also called: DBS/FOAR SYNDROME; FACIOOCULOACOUSTICORENAL SYNDROME. Identifiers: Orphanet 2143, MedGen C1857277, MONDO:0009104, OMIM 222448.
Inborn genetic diseases. Identifiers: MedGen C0950123, MeSH D030342.

Allele frequency attached by ClinVar (database versions not stated): gnomAD exomes 0.00001; ExAC 0.00003; gnomAD 0.00005 and 0.00006; TOPMed 0.00006; ESP Exome Variant Server 0.00015.
gnomAD v4.1: 13 of 1,614,042 alleles (0.00081%); highest among the groups gnomAD compares: African/African-American, 0.017%; no homozygotes.

Submissions (3):

Labcorp Genetics (formerly Invitae), Labcorp
Classification: Uncertain significance. Last evaluated: 2024-11-11. Review status: criteria provided, single submitter. Criteria: Invitae Variant Classification Sherloc (09022015). Collection method: clinical testing. Allele origin: germline.
Comment: This sequence change replaces serine, which is neutral and polar, with glycine, which is neutral and non-polar, at codon 2428 of the LRP2 protein (p.Ser2428Gly). This variant is present in population databases (rs372545324, gnomAD 0.02%). This variant has not been reported in the literature in individuals affected with LRP2-related conditions. ClinVar contains an entry for this variant (Variation ID: 1439175). Invitae Evidence Modeling of protein sequence and biophysical properties (such as structural, functional, and spatial information, amino acid conservation, physicochemical variation, residue mobility, and thermodynamic stability) indicates that this missense variant is not expected to disrupt LRP2 protein function with a negative predictive value of 95%. In summary, the available evidence is currently insufficient to determine the role of this variant in disease. Therefore, it has been classified as a Variant of Uncertain Significance.

Ambry Genetics
Classification: Uncertain significance for Inborn genetic diseases. Last evaluated: 2024-04-12. Review status: criteria provided, single submitter. Criteria: Ambry Variant Classification Scheme 2023. Collection method: clinical testing. Allele origin: germline.

Fulgent Genetics
Classification: Uncertain significance for Donnai-Barrow syndrome. Last evaluated: 2024-02-13. Review status: criteria provided, single submitter. Criteria: ACMG Guidelines, 2015. Collection method: clinical testing. Allele origin: germline.